The following is an entry in ClinVar:

ClinVar aggregate classification (germline): Pathogenic/Likely pathogenic. Review status: criteria provided, multiple submitters, no conflicts (2 of 4 stars). 4 submissions from 4 submitters: Pathogenic (2); Likely pathogenic (2). Last evaluated 2026-03-10.

Conditions:
Mucopolysaccharidosis, MPS-II (MPS2). Also called: Mucopolysaccharidosis with skin involvement; Mucopolysaccharidosis Type II; IDS deficiency; Sulfoiduronate sulfatase deficiency; SIDS deficiency; Mucopolysaccharidosis type 2. Identifiers: Orphanet 580, Orphanet 79388, MedGen C0026705, MONDO:0010674, OMIM 309900.

Submissions (4):

Clinical Biomedical Laboratory, Shriners Hospital For Children - Canada
Classification: Likely pathogenic for Mucopolysaccharidosis, MPS-II. Last evaluated: 2026-03-10. Review status: criteria provided, single submitter. Criteria: ACMG Guidelines, 2015. Collection method: clinical testing. Allele origin: germline. Affected: yes.
Comment: This variant is absent from the Genome Aggregation Database, v2.1.1.Computational tools: (REVEL 0.98) suggest that the amino acid is conserved and that the change is detrimental to protein function. This specific variant has been published in individuals with attenuated mucopolysaccharidosis II (PMID 21291454), which is in accordance with the phenotype of the proband. Based on the ACMG variant interpretation guidelines, the available evidence supports classification of this variant as likely pathogenic.

Labcorp Genetics (formerly Invitae), Labcorp
Classification: Pathogenic for Mucopolysaccharidosis, MPS-II. Last evaluated: 2025-09-02. Review status: criteria provided, single submitter. Criteria: Invitae Variant Classification Sherloc (09022015). Collection method: clinical testing. Allele origin: germline.
Comment: This sequence change replaces histidine, which is basic and polar, with arginine, which is basic and polar, at codon 335 of the IDS protein (p.His335Arg). This variant is not present in population databases (gnomAD no frequency). This missense change has been observed in individual(s) with mucopolysaccharidosis type II (PMID: 9660053, 12572848, 21291454, 33676511). ClinVar contains an entry for this variant (Variation ID: 2138748). An algorithm developed to predict the effect of missense changes on protein structure and function (PolyPhen-2) suggests that this variant is likely to be disruptive. For these reasons, this variant has been classified as Pathogenic.

Laboratory of Diagnosis and Therapy of Lysosomal Disorders, University of Padova
Classification: Likely pathogenic for Mucopolysaccharidosis, MPS-II. Last evaluated: 2024-06-07. Review status: criteria provided, single submitter. Criteria: ACMG Guidelines, 2015. Collection method: literature only. Allele origin: germline. Affected: yes. Observed: 7 variant alleles.
Comment: Prevalence of the variant significantly increased in affected individuals compared with controls (PS4_Supporting), Located in a mutational hot spot and/or critical functional domain (PM1_Moderate), Absent from controls (or at low frequency) in gnomAD database (PM2_Moderate), Missense change at the same amino acid residue as a pathogenic variant (PM5_Moderate), Missense variant in a gene with a low rate of benign missense variation (PP2_Supporting), Multiple lines of computational evidence support a deleterious effect (PP3_Supporting), Patient’s phenotype or family history highly specific for the disease (PP4_Moderate)

Classification method: ACMG Guidelines [PMID:25741868] with modifications

GeneDx
Classification: Pathogenic. Last evaluated: 2023-12-20. Review status: criteria provided, single submitter. Criteria: GeneDx Variant Classification Process June 2021. Collection method: clinical testing. Allele origin: germline. Affected: yes.
Comment: Not observed at significant frequency in large population cohorts (gnomAD); In silico analysis supports that this missense variant has a deleterious effect on protein structure/function; This variant is associated with the following publications: (PMID: 9660053, 21204210, 33960103, 12572848, 27695081, 21291454, 33676511, 24550654, 27883178, 24125893, 17391447)

Literature cited by the submitters: PubMed 21291454 (cited by 3 submitters); PubMed 9660053 (cited by Labcorp Genetics (formerly Invitae), Labcorp and Laboratory of Diagnosis and Therapy of Lysosomal Disorders, University of Padova); PubMed 12572848 (cited by Labcorp Genetics (formerly Invitae), Labcorp); PubMed 33676511 (cited by Labcorp Genetics (formerly Invitae), Labcorp and Laboratory of Diagnosis and Therapy of Lysosomal Disorders, University of Padova); PubMed 24125893 (cited by Laboratory of Diagnosis and Therapy of Lysosomal Disorders, University of Padova); PubMed 33960103 (cited by Laboratory of Diagnosis and Therapy of Lysosomal Disorders, University of Padova); PubMed 36945845 (cited by Laboratory of Diagnosis and Therapy of Lysosomal Disorders, University of Padova).

NM_000202.8(IDS):c.1004A>G (p.His335Arg)

Genes: IDS (iduronate 2-sulfatase; minus strand), LOC106050102 (IDS recombination region; plus strand). Cytogenetic location: Xq28.
Variant type: single nucleotide variant.
Coding change: c.1004A>G on transcript NM_000202.8 (MANE Select); coding-DNA position 1004, A replaced by G.
Protein change: p.His335Arg; replaces histidine 335 with arginine.
Molecular consequence: missense variant. On other transcripts: non-coding transcript variant (1).
Genome position (GRCh38, 1-based): chrX:149,490,316, T>C on the plus strand (A>G on the coding strand, the complement: IDS is on the minus strand). VCF-style: chrX-149490316-T-C. GRCh37 (hg19) VCF-style: chrX-148571847-T-C.
Other names: c.734A>G, p.His245Arg (NM_001166550.4); c.1004A>G, p.His335Arg (NM_006123.5); c.1004A>G (NM_000202.4); short protein forms H245R, H335R.
Identifiers: ClinVar variation 2138748 (VCV002138748.7), dbSNP rs2520811436, ClinGen allele CA414519820.